The following is an entry in ClinVar:

NM_001194.4(HCN2):c.1656C>T (p.Phe552=)

Gene: HCN2 (hyperpolarization activated cyclic nucleotide gated potassium and sodium channel 2; plus strand). Cytogenetic location: 19p13.3.
Variant type: single nucleotide variant.
Coding change: c.1656C>T on transcript NM_001194.4 (MANE Select); coding-DNA position 1656, C replaced by T.
Protein change: p.Phe552=; no amino-acid change (phenylalanine 552 retained).
Molecular consequence: synonymous variant.
Genome position (GRCh38, 1-based): chr19:613,319, C>T. VCF-style: chr19-613319-C-T. GRCh37 (hg19) VCF-style: chr19-613319-C-T.
Identifiers: ClinVar variation 3047890 (VCV003047890.6), dbSNP rs200925272, ClinGen allele CA9018572.
Genomic context (GRCh38, chr19:613,319, plus strand): 5'-CTTCAACTGCCGGAAGCTGGTGGCCTCCATGCCGCTGTTCGCCAACGCCGACCCCAACTT[C>T]GTCACGGCCATGCTGACCAAGCTCAAGTTCGAGGTCTTCCAGCCGGGTGACTACATCATC-3'
Protein context (NP_001185.3, residues 542-562): MPLFANADPN[Phe552=]VTAMLTKLKF

ClinVar aggregate classification (germline): Likely benign. Review status: criteria provided, single submitter (1 of 4 stars). 2 submissions from 2 submitters: Likely benign (1). 1 of the submissions does not count toward it. Last evaluated 2026-03-01.

Conditions:
HCN2-related disorder. Also called: HCN2-related condition.

Allele frequency attached by ClinVar (database versions not stated): TOPMed below 0.00001; gnomAD 0.00001; gnomAD exomes 0.00002; ExAC 0.00003.
gnomAD v4.1: 25 of 1,612,960 alleles (0.0015%); highest among the groups gnomAD compares: South Asian, 0.0055%; no homozygotes.

Submissions (2):

CeGaT Center for Human Genetics Tuebingen
Classification: Likely benign. Last evaluated: 2026-03-01. Review status: criteria provided, single submitter. Criteria: CeGaT Center For Human Genetics Tuebingen Variant Classification Criteria Version 2. Collection method: clinical testing. Allele origin: germline. Affected: yes. Observed: 1 variant allele.
Comment: HCN2: BP4, BP7

PreventionGenetics, part of Exact Sciences
Classification: Likely benign for HCN2-related condition. Last evaluated: 2019-04-05. Review status: no assertion criteria provided. Collection method: clinical testing. Allele origin: germline. Not counted in ClinVar's aggregate classification.
Comment: This variant is classified as likely benign based on ACMG/AMP sequence variant interpretation guidelines (Richards et al. 2015 PMID: 25741868, with internal and published modifications).